The following is an entry in ClinVar:

NM_000051.4(ATM):c.5988A>T (p.Glu1996Asp)

Genes: ATM (ATM serine/threonine kinase; plus strand), C11orf65 (chromosome 11 open reading frame 65; minus strand). Cytogenetic location: 11q22.3.
Variant type: single nucleotide variant.
Coding change: c.5988A>T on transcript NM_000051.4 (MANE Select); coding-DNA position 5988, A replaced by T.
Protein change: p.Glu1996Asp; replaces glutamic acid 1996 with aspartic acid.
Molecular consequence: missense variant. On other transcripts: intron variant (2).
Genome position (GRCh38, 1-based): chr11:108,312,480, A>T. VCF-style: chr11-108312480-A-T. GRCh37 (hg19) VCF-style: chr11-108183207-A-T.
Other names: c.5988A>T, p.Glu1996Asp (NM_001351834.2); c.641-3409T>A (NM_001330368.2); c.*39-3409T>A (NM_001351110.2); short protein forms E1996D.
Identifiers: ClinVar variation 826096 (VCV000826096.9), dbSNP rs1591758852, ClinGen allele CA382548779.

ClinVar aggregate classification (germline): Uncertain significance. Review status: criteria provided, multiple submitters, no conflicts (2 of 4 stars). 2 submissions from 2 submitters: Uncertain significance (2). Last evaluated 2022-11-23.

Conditions:
Hereditary cancer-predisposing syndrome. Also called: Tumor predisposition; Neoplastic Syndromes, Hereditary; Hereditary Cancer Syndrome; Hereditary neoplastic syndrome. Identifiers: Orphanet 140162, MedGen C0027672, MeSH D009386, MONDO:0015356.
Ataxia-telangiectasia syndrome (AT). Also called: ATAXIA-TELANGIECTASIA, COMPLEMENTATION GROUP A; ATAXIA-TELANGIECTASIA, FRESNO VARIANT; Ataxia-telangiectasia; Ataxia-telangiectasia, complementation group D; AT, COMPLEMENTATION GROUP C; Ataxia-telangiectasia, complementation group E. Identifiers: Orphanet 100, MedGen C0004135, MONDO:0008840, OMIM 208900.

Submissions (2):

Labcorp Genetics (formerly Invitae), Labcorp
Classification: Uncertain significance for Ataxia-telangiectasia syndrome. Last evaluated: 2022-11-23. Review status: criteria provided, single submitter. Criteria: Invitae Variant Classification Sherloc (09022015). Collection method: clinical testing. Allele origin: germline.
Comment: This variant has not been reported in the literature in individuals affected with ATM-related conditions. This variant is not present in population databases (gnomAD no frequency). This sequence change replaces glutamic acid, which is acidic and polar, with aspartic acid, which is acidic and polar, at codon 1996 of the ATM protein (p.Glu1996Asp). ClinVar contains an entry for this variant (Variation ID: 826096). In summary, the available evidence is currently insufficient to determine the role of this variant in disease. Therefore, it has been classified as a Variant of Uncertain Significance. Algorithms developed to predict the effect of missense changes on protein structure and function (SIFT, PolyPhen-2, Align-GVGD) all suggest that this variant is likely to be tolerated.

Ambry Genetics
Classification: Uncertain significance for Hereditary cancer-predisposing syndrome. Last evaluated: 2018-07-27. Review status: criteria provided, single submitter. Criteria: Ambry Variant Classification Scheme 2023. Collection method: clinical testing. Allele origin: germline.
Comment: The p.E1996D variant (also known as c.5988A>T), located in coding exon 39 of the ATM gene, results from an A to T substitution at nucleotide position 5988. The glutamic acid at codon 1996 is replaced by aspartic acid, an amino acid with highly similar properties. This amino acid position is well conserved in available vertebrate species. In addition, this alteration is predicted to be tolerated by in silico analysis. Since supporting evidence is limited at this time, the clinical significance of this alteration remains unclear.